The following is an entry in ClinVar:

ClinVar aggregate classification (germline): Conflicting classifications of pathogenicity. Review status: criteria provided, conflicting classifications (1 of 4 stars). 5 submissions from 5 submitters: Uncertain significance (1); Benign (1); Likely benign (2). 1 of the submissions does not count toward it. Last evaluated 2026-02-03.

Conditions:
TMPRSS3-related disorder. Also called: TMPRSS3-related condition.
Autosomal recessive nonsyndromic hearing loss 8 (DFNB8). Also called: NEUROSENSORY NONSYNDROMIC RECESSIVE DEAFNESS 8; Deafness, autosomal recessive 10. Identifiers: Orphanet 90636, MedGen C1832827, MONDO:0010987, OMIM 601072.

Allele frequency attached by ClinVar (database versions not stated): gnomAD 0.00019 and 0.00013; gnomAD exomes 0.00021 and 0.00053; TOPMed 0.00034; ExAC 0.00053; 1000 Genomes Project 30x 0.00109; 1000 Genomes Project 0.00120; ESP Exome Variant Server 0.00008.
gnomAD v4.1: 345 of 1,614,216 alleles (0.021%); highest among the groups gnomAD compares: East Asian, 0.68%; 1 homozygote.

Submissions (5):

Labcorp Genetics (formerly Invitae), Labcorp
Classification: Benign. Last evaluated: 2026-02-03. Review status: criteria provided, single submitter. Criteria: Invitae Variant Classification Sherloc (09022015). Collection method: clinical testing. Allele origin: germline.

Blueprint Genetics
Classification: Likely benign. Last evaluated: 2024-09-10. Review status: criteria provided, single submitter. Criteria: ACMG Guidelines, 2015. Collection method: clinical testing. Allele origin: germline.

GeneDx
Classification: Likely benign. Last evaluated: 2019-11-04. Review status: criteria provided, single submitter. Criteria: GeneDx Variant Classification Process June 2021. Collection method: clinical testing. Allele origin: germline. Affected: yes.

Illumina Laboratory Services, Illumina
Classification: Uncertain significance for Autosomal recessive nonsyndromic hearing loss 8. Last evaluated: 2018-01-12. Review status: criteria provided, single submitter. Criteria: ICSL Variant Classification Criteria 13 December 2019. Collection method: clinical testing. Allele origin: germline.

PreventionGenetics, part of Exact Sciences
Classification: Likely benign for TMPRSS3-related condition. Last evaluated: 2019-07-30. Review status: no assertion criteria provided. Collection method: clinical testing. Allele origin: germline. Not counted in ClinVar's aggregate classification.
Comment: This variant is classified as likely benign based on ACMG/AMP sequence variant interpretation guidelines (Richards et al. 2015 PMID: 25741868, with internal and published modifications).

NM_001256317.3(TMPRSS3):c.681G>A (p.Gln227=)

Gene: TMPRSS3 (transmembrane serine protease 3; minus strand). Cytogenetic location: 21q22.3.
Variant type: single nucleotide variant.
Coding change: c.681G>A on transcript NM_001256317.3 (MANE Select); coding-DNA position 681, G replaced by A.
Protein change: p.Gln227=; no amino-acid change (glutamine 227 retained).
Molecular consequence: synonymous variant.
Genome position (GRCh38, 1-based): chr21:42,383,134, C>T on the plus strand (G>A on the coding strand, the complement: TMPRSS3 is on the minus strand). VCF-style: chr21-42383134-C-T. GRCh37 (hg19) VCF-style: chr21-43803243-C-T.
Other names: c.681G>A, p.Gln227= (NM_024022.4, NM_032405.2); c.300G>A, p.Gln100= (NM_032404.3).
Identifiers: ClinVar variation 340060 (VCV000340060.17), dbSNP rs201260442, ClinGen allele CA10042496.